The following is an entry in ClinVar:

ClinVar aggregate classification (germline): Uncertain significance. Review status: criteria provided, multiple submitters, no conflicts (2 of 4 stars). 2 submissions from 2 submitters: Uncertain significance (2). Last evaluated 2025-08-26.

Conditions:
Inborn genetic diseases. Identifiers: MedGen C0950123, MeSH D030342.
Pityriasis rubra pilaris (PRP). Also called: Pityriasis rubra pilaris--familial type. Identifiers: Orphanet 2897, MedGen C0032027, MONDO:0100017, OMIM 173200, MONDO:0008251.
Psoriasis 2. Identifiers: MedGen C1864497, MONDO:0011269, OMIM 602723.

Allele frequency attached by ClinVar (database versions not stated): ExAC 0.00001; gnomAD 0.00001; gnomAD exomes 0.00002; TOPMed 0.00003.

Submissions (2):

Ambry Genetics
Classification: Uncertain significance for Inborn genetic diseases. Last evaluated: 2025-08-26. Review status: criteria provided, single submitter. Criteria: Ambry Variant Classification Scheme 2023. Collection method: clinical testing. Allele origin: germline.

Labcorp Genetics (formerly Invitae), Labcorp
Classification: Uncertain significance for Pityriasis rubra pilaris; Psoriasis 2. Last evaluated: 2025-04-25. Review status: criteria provided, single submitter. Criteria: Invitae Variant Classification Sherloc (09022015). Collection method: clinical testing. Allele origin: germline.
Comment: This sequence change replaces glutamic acid, which is acidic and polar, with lysine, which is basic and polar, at codon 293 of the CARD14 protein (p.Glu293Lys). This variant is present in population databases (rs775291378, gnomAD 0.01%). This variant has not been reported in the literature in individuals affected with CARD14-related conditions. ClinVar contains an entry for this variant (Variation ID: 641060). Invitae Evidence Modeling of protein sequence and biophysical properties (such as structural, functional, and spatial information, amino acid conservation, physicochemical variation, residue mobility, and thermodynamic stability) indicates that this missense variant is not expected to disrupt CARD14 protein function with a negative predictive value of 95%. In summary, the available evidence is currently insufficient to determine the role of this variant in disease. Therefore, it has been classified as a Variant of Uncertain Significance.

NM_001366385.1(CARD14):c.877G>A (p.Glu293Lys)

Gene: CARD14 (caspase recruitment domain family member 14; plus strand). Cytogenetic location: 17q25.3.
Variant type: single nucleotide variant.
Coding change: c.877G>A on transcript NM_001366385.1 (MANE Select); coding-DNA position 877, G replaced by A.
Protein change: p.Glu293Lys; replaces glutamic acid 293 with lysine.
Molecular consequence: missense variant. On other transcripts: non-coding transcript variant (1).
Genome position (GRCh38, 1-based): chr17:80,189,786, G>A. VCF-style: chr17-80189786-G-A. GRCh37 (hg19) VCF-style: chr17-78163585-G-A.
Other names: c.877G>A (NM_024110.3); c.877G>A, p.Glu293Lys (NM_024110.4, NM_001257970.1); c.166G>A, p.Glu56Lys (NM_052819.3); short protein forms E56K, E293K.
Identifiers: ClinVar variation 641060 (VCV000641060.8), dbSNP rs775291378, ClinGen allele CA8816560.